The following is an entry in ClinVar:

ClinVar aggregate classification (germline): Uncertain significance (1 of 4 stars; one submission).

Allele frequency attached by ClinVar (database versions not stated): ExAC 0.00001.
gnomAD v4.1: 2 of 1,611,896 alleles (0.00012%); highest among the groups gnomAD compares: South Asian, 0.0022%; no homozygotes.

Submission:

Labcorp Genetics (formerly Invitae), Labcorp
Classification: Uncertain significance. Last evaluated: 2024-01-01. Review status: criteria provided, single submitter. Criteria: Invitae Variant Classification Sherloc (09022015). Collection method: clinical testing. Allele origin: germline.
Comment: This sequence change replaces cysteine, which is neutral and slightly polar, with tyrosine, which is neutral and polar, at codon 1151 of the OTOGL protein (p.Cys1151Tyr). This variant is present in population databases (rs767927262, gnomAD 0.003%). This variant has not been reported in the literature in individuals affected with OTOGL-related conditions. An algorithm developed to predict the effect of missense changes on protein structure and function (PolyPhen-2) suggests that this variant is likely to be disruptive. In summary, the available evidence is currently insufficient to determine the role of this variant in disease. Therefore, it has been classified as a Variant of Uncertain Significance.

NM_001378609.3(OTOGL):c.3479G>A (p.Cys1160Tyr)

Gene: OTOGL (otogelin like; plus strand). Cytogenetic location: 12q21.31.
Variant type: single nucleotide variant.
Coding change: c.3479G>A on transcript NM_001378609.3 (MANE Select); coding-DNA position 3479, G replaced by A.
Protein change: p.Cys1160Tyr; replaces cysteine 1160 with tyrosine.
Molecular consequence: missense variant.
Genome position (GRCh38, 1-based): chr12:80,313,504, G>A. VCF-style: chr12-80313504-G-A. GRCh37 (hg19) VCF-style: chr12-80707284-G-A.
Other names: c.3344G>A, p.Cys1115Tyr (NM_001368062.3); c.3479G>A, p.Cys1160Tyr (NM_001378610.3, NM_173591.7); short protein forms C1115Y, C1160Y.
Identifiers: ClinVar variation 2792520 (VCV002792520.1), dbSNP rs767927262, ClinGen allele CA6701095.